The following is an entry in ClinVar:

NM_001394998.1(TANC2):c.6204G>A (p.Pro2068=)

Gene: TANC2 (tetratricopeptide repeat, ankyrin repeat and coiled-coil containing 2; plus strand). Cytogenetic location: 17q23.3.
Variant type: single nucleotide variant.
Coding change: c.6204G>A on transcript NM_001394998.1 (MANE Select); coding-DNA position 6204, G replaced by A.
Protein change: p.Pro2068=; no amino-acid change (proline 2068 retained).
Molecular consequence: synonymous variant.
Genome position (GRCh38, 1-based): chr17:63,421,934, G>A. VCF-style: chr17-63421934-G-A. GRCh37 (hg19) VCF-style: chr17-61499295-G-A.
Other names: c.5982G>A, p.Pro1994= (NM_001411076.1); c.5952G>A, p.Pro1984= (NM_025185.4).
Identifiers: ClinVar variation 3051284 (VCV003051284.5), dbSNP rs760143670, ClinGen allele CA8698581.

ClinVar aggregate classification (germline): Likely benign. Review status: criteria provided, multiple submitters, no conflicts (2 of 4 stars). 3 submissions from 3 submitters: Likely benign (2). 1 of the submissions does not count toward it. Last evaluated 2026-04-01.

Conditions:
TANC2-related disorder. Also called: TANC2-related condition.

Allele frequency attached by ClinVar (database versions not stated): gnomAD 0.00002; ExAC 0.00003; TOPMed 0.00005; gnomAD exomes 0.00006.
gnomAD v4.1: 84 of 1,610,272 alleles (0.0052%); highest among the groups gnomAD compares: Admixed American, 0.01%; 1 homozygote.

Submissions (3):

CeGaT Center for Human Genetics Tuebingen
Classification: Likely benign. Last evaluated: 2026-04-01. Review status: criteria provided, single submitter. Criteria: CeGaT Center For Human Genetics Tuebingen Variant Classification Criteria Version 2. Collection method: clinical testing. Allele origin: germline. Affected: yes. Observed: 1 variant allele.
Comment: TANC2: BP4, BP7

Blueprint Genetics
Classification: Likely benign. Last evaluated: 2024-08-26. Review status: criteria provided, single submitter. Criteria: ACMG Guidelines, 2015. Collection method: clinical testing. Allele origin: germline.

PreventionGenetics, part of Exact Sciences
Classification: Likely benign for TANC2-related condition. Last evaluated: 2022-11-16. Review status: no assertion criteria provided. Collection method: clinical testing. Allele origin: germline. Not counted in ClinVar's aggregate classification.
Comment: This variant is classified as likely benign based on ACMG/AMP sequence variant interpretation guidelines (Richards et al. 2015 PMID: 25741868, with internal and published modifications).